The following is an entry in ClinVar:

NM_003412.4(ZIC1):c.1196C>A (p.Ser399Tyr)

Gene: ZIC1 (Zic family zinc finger 1; plus strand). Cytogenetic location: 3q24.
Variant type: single nucleotide variant.
Coding change: c.1196C>A on transcript NM_003412.4 (MANE Select); coding-DNA position 1196, C replaced by A.
Protein change: p.Ser399Tyr; replaces serine 399 with tyrosine.
Molecular consequence: missense variant.
Genome position (GRCh38, 1-based): chr3:147,413,403, C>A. VCF-style: chr3-147413403-C-A. GRCh37 (hg19) VCF-style: chr3-147131190-C-A.
Other names: short protein forms S399Y.
Identifiers: ClinVar variation 3655648 (VCV003655648.2).

ClinVar aggregate classification (germline): Uncertain significance (1 of 4 stars; one submission).

Submission:

Labcorp Genetics (formerly Invitae), Labcorp
Classification: Uncertain significance. Last evaluated: 2024-08-21. Review status: criteria provided, single submitter. Criteria: Invitae Variant Classification Sherloc (09022015). Collection method: clinical testing. Allele origin: germline.
Comment: This sequence change replaces serine, which is neutral and polar, with tyrosine, which is neutral and polar, at codon 399 of the ZIC1 protein (p.Ser399Tyr). This variant is not present in population databases (gnomAD no frequency). This variant has not been reported in the literature in individuals affected with ZIC1-related conditions. Invitae Evidence Modeling of protein sequence and biophysical properties (such as structural, functional, and spatial information, amino acid conservation, physicochemical variation, residue mobility, and thermodynamic stability) indicates that this missense variant is not expected to disrupt ZIC1 protein function with a negative predictive value of 80%. In summary, the available evidence is currently insufficient to determine the role of this variant in disease. Therefore, it has been classified as a Variant of Uncertain Significance.